The following is an entry in ClinVar:

NC_000007.13:g.(?_6026384)_(6048656_?)dup

Genes: PMS2 (PMS1 homolog 2, mismatch repair system component; minus strand), LOC129997916 (ATAC-STARR-seq lymphoblastoid active region 25614; plus strand). Cytogenetic location: 7p22.1.
Variant type: Duplication.
Identifiers: ClinVar variation 455097 (VCV000455097.2).

ClinVar aggregate classification (germline): Uncertain significance (1 of 4 stars; one submission).

Conditions:
Hereditary nonpolyposis colorectal neoplasms. Identifiers: MedGen C0009405, MeSH D003123.

Submission:

Labcorp Genetics (formerly Invitae), Labcorp
Classification: Uncertain significance for Hereditary nonpolyposis colon cancer. Last evaluated: 2019-11-22. Review status: criteria provided, single submitter. Criteria: Invitae Variant Classification Sherloc (09022015). Collection method: clinical testing. Allele origin: germline.
Comment: This variant is a gross duplication of the genomic region encompassing exons 1-12 of the PMS2 gene. The 5' end of this event is unknown as it extends beyond the assayed region for this gene and therefore may encompass additional genes. The 3' boundary is likely confined to intron 12 of the PMS2 gene. A duplication encompassing exons 1-12 of the PMS2 gene has been reported in an individual with colorectal cancer. High levels of microsatellite instability and loss of PMS2 protein were found in the tumor (PMID: 22120844). Experimental studies and prediction algorithms are not available or were not evaluated for this variant, and the functional significance of this variant is currently unknown. In summary, the available evidence is currently insufficient to determine the role of this variant in disease. Therefore, it has been classified as a Variant of Uncertain Significance.

Literature cited by the submitters: PubMed 22120844.